The following is an entry in ClinVar:

NM_001145809.2(MYH14):c.534C>T (p.Thr178=)

Gene: MYH14 (myosin heavy chain 14; plus strand). Cytogenetic location: 19q13.33.
Variant type: single nucleotide variant.
Coding change: c.534C>T on transcript NM_001145809.2 (MANE Select); coding-DNA position 534, C replaced by T.
Protein change: p.Thr178=; no amino-acid change (threonine 178 retained).
Molecular consequence: synonymous variant.
Genome position (GRCh38, 1-based): chr19:50,217,743, C>T. VCF-style: chr19-50217743-C-T. GRCh37 (hg19) VCF-style: chr19-50721000-C-T.
Other names: c.534C>T, p.Thr178= (NM_001077186.2, NM_024729.4).
Identifiers: ClinVar variation 164162 (VCV000164162.4), dbSNP rs727503221, ClinGen allele CA176876.

ClinVar aggregate classification (germline): Likely benign (1 of 4 stars; one submission).

Allele frequency attached by ClinVar (database versions not stated): gnomAD exomes below 0.00001 and 0.00001; ExAC 0.00001; gnomAD 0.00001; TOPMed 0.00002.
gnomAD v4.1: 6 of 1,613,696 alleles (0.00037%); highest among the groups gnomAD compares: Admixed American, 0.0017%; no homozygotes.

Submission:

Laboratory for Molecular Medicine, Mass General Brigham Personalized Medicine
Classification: Likely benign. Last evaluated: 2013-08-16. Review status: criteria provided, single submitter. Criteria: LMM Criteria. Collection method: clinical testing. Allele origin: germline. Observed: 1 variant allele.
Comment: Thr178Thr in exon 3 of MYH14: This variant is not expected to have clinical sign ificance because it does not alter an amino acid residue and is not located with in the splice consensus sequence.